The following is an entry in ClinVar:

NM_001197104.2(KMT2A):c.5603del (p.Pro1868fs)

Gene: KMT2A (lysine methyltransferase 2A; plus strand). Cytogenetic location: 11q23.3.
Variant type: Deletion.
Coding change: c.5603del on transcript NM_001197104.2 (MANE Select); coding-DNA position 5603, one base deleted (C; older notation c.5603delC).
Protein change: p.Pro1868fs; shifts the reading frame from proline 1868.
Molecular consequence: frameshift variant.
Genome position (GRCh38, 1-based): chr11:118,496,306, C deleted; the last of 5 consecutive C bases (chr11:118,496,302-118,496,306); deleting any one gives the same sequence. VCF-style (leftmost placement, unchanged base first): chr11-118496301-AC-A. GRCh37 (hg19) VCF-style: chr11-118367016-AC-A.
Other names: c.5603delC, p.Pro1868Glnfs (NM_001197104.1); c.5693del, p.Pro1898fs (NM_001412597.1); c.5594del, p.Pro1865fs (NM_005933.4); short protein forms P1865fs, P1868fs, P1898fs.
Identifiers: ClinVar variation 3340584 (VCV003340584.2).

ClinVar aggregate classification (germline): Pathogenic. Review status: criteria provided, multiple submitters, no conflicts (2 of 4 stars). 2 submissions from 2 submitters: Pathogenic (2). Last evaluated 2024-03-13.

Conditions:
KMT2A-related disorder. Also called: KMT2A-related condition.

Submissions (2):

GeneDx
Classification: Pathogenic. Last evaluated: 2024-03-13. Review status: criteria provided, single submitter. Criteria: GeneDx Variant Classification Process June 2021. Collection method: clinical testing. Allele origin: germline. Affected: yes.
Comment: Frameshift variant predicted to result in protein truncation or nonsense mediated decay in a gene for which loss of function is a known mechanism of disease; Not observed at significant frequency in large population cohorts (gnomAD); This variant is associated with the following publications: (PMID: 29574747)

Blueprint Genetics
Classification: Pathogenic for KMT2A-related disorders. Last evaluated: 2020-04-29. Review status: criteria provided, single submitter. Criteria: ACMG Guidelines, 2015. Collection method: clinical testing. Allele origin: germline. Affected: yes. Observed: 1 variant allele.